The following is an entry in ClinVar:

NM_000545.8(HNF1A):c.715G>A (p.Ala239Thr)

Gene: HNF1A (HNF1 homeobox A; plus strand). Cytogenetic location: 12q24.31.
Variant type: single nucleotide variant.
Coding change: c.715G>A on transcript NM_000545.8 (MANE Select); coding-DNA position 715, G replaced by A.
Protein change: p.Ala239Thr; replaces alanine 239 with threonine.
Molecular consequence: missense variant.
Genome position (GRCh38, 1-based): chr12:120,994,165, G>A. VCF-style: chr12-120994165-G-A. GRCh37 (hg19) VCF-style: chr12-121431968-G-A.
Other names: NM_001306179.2:c.715G>A; c.715G>A, p.Ala239Thr (NM_001306179.2, NM_001406915.1); short protein forms A239T.
Identifiers: ClinVar variation 3370452 (VCV003370452.1).
Genomic context (GRCh38, chr12:120,994,165, plus strand): 5'-GCCCAGGACAGGGTTCCTCTGAGCCTGGCCTGGAGGCTCATGGGTGGCTATTTCTGCAGG[G>A]CGGAATGCATCCAGAGAGGGGTGTCCCCATCACAGGCACAGGGGCTGGGCTCCAACCTCG-3'
Protein context (NP_000536.6, residues 229-249): RETLVEECNR[Ala239Thr]ECIQRGVSPS

ClinVar aggregate classification (germline): Likely pathogenic (3 of 4 stars; one submission).

Conditions:
Monogenic diabetes. Identifiers: Orphanet 183625, MedGen C3888631, MONDO:0015967.

Submission:

ClinGen Monogenic Diabetes Variant Curation Expert Panel
Classification: Likely pathogenic for Monogenic diabetes. Last evaluated: 2024-10-13. Review status: reviewed by expert panel. Criteria: ClinGen Diabetes ACMG Specifications HNF1A V2.1.0. Collection method: curation. Allele origin: germline. Inheritance: Autosomal dominant inheritance.
Comment: The c.715G>A variant in the HNF1 homeobox A gene, HNF1A, causes an amino acid change of alanine to threonine at codon 239 (p.(Ala239Thr)) of NM_000545.8. This variant is located within a conserved region of the DNA binding domain (codons 107-174 and 201-280) of HNF1A, which is defined as critical for the protein’s function by the ClinGen MDEP (PM1_Supporting). Additionally, this variant is predicted to be deleterious by computational evidence, with a REVEL score of 0.902, which is greater than the MDEP VCEP threshold of 0.70 (PP3). This variant is absent from gnomAD v2.1.1 and v4.1 (PM2_Supporting). This variant was identified in 5 unrelated individuals with non-autoimmune and non-absolute/near-absolute insulin-deficient diabetes (PS4_Moderate; internal lab contributors). Furthermore, this variant segregated with diabetes with at least 4 informative meioses in four families (PP1_Strong; internal lab contributors). In summary, c.707G>A meets the criteria to be classified as likely pathogenic for monogenic diabetes. ACMG/AMP criteria applied, as specified by the ClinGen MDEP (specification version 2.1.1, approved 8/11/2023): PM1_Supporting, PM2_Supporting, PP3, PS4_Moderate, PP1_Strong.